The following is an entry in ClinVar:

NM_130837.3(OPA1):c.2483dup (p.Arg829fs)

Gene: OPA1 (OPA1 mitochondrial dynamin like GTPase; plus strand). Cytogenetic location: 3q29.
Variant type: Duplication.
Coding change: c.2483dup on transcript NM_130837.3 (MANE Select); coding-DNA position 2483, one base duplicated (A; older notation c.2483dupA).
Protein change: p.Arg829fs; shifts the reading frame from arginine 829.
Molecular consequence: frameshift variant.
Genome position (GRCh38, 1-based): chr3:193,659,524, A duplicated; the last of 5 consecutive A bases (chr3:193,659,520-193,659,524); duplicating any one gives the same sequence. VCF-style (leftmost placement, unchanged base first): chr3-193659519-G-GA. GRCh37 (hg19) VCF-style: chr3-193377308-G-GA.
Other names: c.1949dup, p.Arg651fs (NM_001354663.2); c.1946dup, p.Arg650fs (NM_001354664.2); c.2318dup, p.Arg774fs (NM_015560.3); c.2210dup, p.Arg738fs (NM_130831.3); c.2264dup, p.Arg756fs (NM_130832.3); c.2321dup, p.Arg775fs (NM_130833.3); c.2372dup, p.Arg792fs (NM_130834.3); c.2375dup, p.Arg793fs (NM_130835.3); and 1 more; short protein forms R650fs, R651fs, R738fs, R756fs, R774fs, R775fs, R792fs, R793fs.
Identifiers: ClinVar variation 5037948 (VCV005037948.1).
Genomic context (GRCh38, chr3:193,659,519, plus strand): 5'-GATTAATTAATTTTTTTTTCTAGCTGAAAATGCAATTGAAAACATGGTGGGTCCAGACTG[G>GA]AAAAAGAGGTGGTTATACTGGAAGAATCGGACCCAAGAACAGGTAGAAATAAACAAGTCT-3'

ClinVar aggregate classification (germline): Pathogenic (1 of 4 stars; one submission).

Conditions:
Optic neuropathy. Also called: Optic nerve disorder. Identifiers: MedGen C3887709, MONDO:0002135, HP:0001138.

Submission:

Genetics Laboratory, Great Ormond Street Hospital NHS Foundation Trust, North Thames Genomic Laboratory Hub
Classification: Pathogenic for Optic neuropathy. Last evaluated: 2026-08-29. Review status: criteria provided, single submitter. Criteria: ACGS Best Practice Guidelines for Variant Classification in Rare Disease 2024 v1.2. Collection method: clinical testing. Allele origin: germline. Affected: yes.
Comment: PM2_moderate, PVS1_very-strong